The following is an entry in ClinVar:

ClinVar aggregate classification (germline): Uncertain significance (1 of 4 stars; one submission).

Conditions:
SCAPER-related disorder. Also called: SCAPER-related condition.

gnomAD v4.1: 34 of 1,613,716 alleles (0.0021%); highest among the groups gnomAD compares: Non-Finnish European, 0.0024%; no homozygotes.

Submission:

PreventionGenetics, part of Exact Sciences
Classification: Uncertain significance for SCAPER-related condition. Last evaluated: 2025-08-20. Review status: criteria provided, single submitter. Criteria: ACMG Guidelines, 2015. Collection method: clinical testing. Allele origin: germline.
Comment: The SCAPER c.3641A>G variant is predicted to result in the amino acid substitution p.Tyr1214Cys. To our knowledge, this variant has not been reported in the literature. This variant is reported in 0.0027% of alleles in individuals of European (Non-Finnish) descent in gnomAD. At this time, the clinical significance of this variant is uncertain due to the absence of conclusive functional and genetic evidence.

NM_020843.4(SCAPER):c.3623A>G (p.Tyr1208Cys)

Gene: SCAPER (S-phase cyclin A associated protein in the ER; minus strand). Cytogenetic location: 15q24.3.
Variant type: single nucleotide variant.
Coding change: c.3623A>G on transcript NM_020843.4 (MANE Select); coding-DNA position 3623, A replaced by G.
Protein change: p.Tyr1208Cys; replaces tyrosine 1208 with cysteine.
Molecular consequence: missense variant. On other transcripts: non-coding transcript variant (1).
Genome position (GRCh38, 1-based): chr15:76,381,460, T>C on the plus strand (A>G on the coding strand, the complement: SCAPER is on the minus strand). VCF-style: chr15-76381460-T-C. GRCh37 (hg19) VCF-style: chr15-76673801-T-C.
Other names: c.2885A>G, p.Tyr962Cys (NM_001145923.2); c.3641A>G, p.Tyr1214Cys (NM_001353009.2); c.3221A>G, p.Tyr1074Cys (NM_001353010.2, NM_001353012.2); c.3239A>G, p.Tyr1080Cys (NM_001353011.2); short protein forms Y1074C, Y1208C, Y1080C, Y1214C, Y962C.
Identifiers: ClinVar variation 4985458 (VCV004985458.1).